The following is an entry in ClinVar:

NM_000038.6(APC):c.4336G>A (p.Ala1446Thr)

Gene: APC (APC regulator of Wnt signaling pathway; plus strand). Cytogenetic location: 5q22.2.
Variant type: single nucleotide variant.
Coding change: c.4336G>A on transcript NM_000038.6 (MANE Select); coding-DNA position 4336, G replaced by A.
Protein change: p.Ala1446Thr; replaces alanine 1446 with threonine.
Molecular consequence: missense variant.
Genome position (GRCh38, 1-based): chr5:112,839,930, G>A. VCF-style: chr5-112839930-G-A. GRCh37 (hg19) VCF-style: chr5-112175627-G-A.
Other names: p.A1446T:GCT>ACT; c.4336G>A, p.Ala1446Thr (NM_001127510.3, NM_001354895.2); c.4282G>A, p.Ala1428Thr (NM_001127511.3); c.4390G>A, p.Ala1464Thr (NM_001354896.2); c.4366G>A, p.Ala1456Thr (NM_001354897.2); c.4261G>A, p.Ala1421Thr (NM_001354898.2); c.4252G>A, p.Ala1418Thr (NM_001354899.2); c.4213G>A, p.Ala1405Thr (NM_001354900.2); and 6 more; short protein forms A1446T, A1428T, A1286T, A1464T, A1345T, A1387T, A1418T, A1163T.
Identifiers: ClinVar variation 127294 (VCV000127294.34), dbSNP rs146572883, ClinGen allele CA009459.

ClinVar aggregate classification (germline): Benign/Likely benign. Review status: criteria provided, multiple submitters, no conflicts (2 of 4 stars). 14 submissions from 14 submitters: Benign (5); Likely benign (6). 3 of the submissions do not count toward it. Last evaluated 2026-02-04.

Conditions:
Desmoid disease, hereditary (DESMD). Also called: FIBROMATOSIS, FAMILIAL INFILTRATIVE. Identifiers: Orphanet 873, MedGen C1851124, OMIM 135290. Disease mechanism: loss of function.
Hepatocellular carcinoma (HCC). Also called: Primary carcinoma of liver; HEPATOMA; LIVER CELL CARCINOMA. Identifiers: Orphanet 88673, MedGen C2239176, MONDO:0007256, OMIM 114550, HP:0001402.
Gastric adenocarcinoma and proximal polyposis of the stomach (GAPPS). Also called: POLYPOSIS, GASTRIC; Gastric Adenocarcinoma and Proximal Polyposis of the Stomach (GAPPS); Polyposis, gastric, Dos Santos and de Magalhaes 1980. Identifiers: Orphanet 314022, MedGen C4749917, MONDO:0017790, OMIM 619182.
Familial adenomatous polyposis 1 (FAP1). Also called: POLYPOSIS, ADENOMATOUS INTESTINAL; FAMILIAL ADENOMATOUS POLYPOSIS 1, ATTENUATED. Identifiers: MedGen C2713442, MONDO:0021056, OMIM 175100. Disease mechanism: loss of function.
Gastric cancer. Also called: Malignant tumor of stomach; Stomach cancer. Identifiers: MedGen C0024623, MeSH D013274, MONDO:0001056, OMIM 613659, HP:0012126.
Colorectal cancer. Also called: Malignant Colorectal Neoplasm; Colorectal cancer, somatic. Identifiers: MedGen C0346629, MONDO:0005575, OMIM 114500.
Colorectal adenoma. Identifiers: MedGen C1302401, MONDO:0005484.
Carcinoma of colon (CRC). Also called: Colon carcinoma; Colonic carcinoma. Identifiers: MedGen C0699790, MONDO:0002032.
Hereditary cancer-predisposing syndrome. Also called: Tumor predisposition; Hereditary neoplastic syndrome; Neoplastic Syndromes, Hereditary; Hereditary Cancer Syndrome. Identifiers: Orphanet 140162, MedGen C0027672, MeSH D009386, MONDO:0015356.

Allele frequency attached by ClinVar (database versions not stated): gnomAD exomes 0.00005 and 0.00014; ExAC 0.00012; ESP Exome Variant Server 0.00038; gnomAD 0.00054 and 0.00056; 1000 Genomes Project 30x 0.00062; TOPMed 0.00066; 1000 Genomes Project 0.00080.
gnomAD v4.1: 157 of 1,614,058 alleles (0.0097%); highest among the groups gnomAD compares: African/African-American, 0.17%; 2 homozygotes.

Submissions (14):

Labcorp Genetics (formerly Invitae), Labcorp
Classification: Likely benign for Familial adenomatous polyposis 1. Last evaluated: 2026-02-04. Review status: criteria provided, single submitter. Criteria: Invitae Variant Classification Sherloc (09022015). Collection method: clinical testing. Allele origin: germline.

Molecular Pathology, Peter Maccallum Cancer Centre
Classification: Benign for Familial adenomatous polyposis 1. Last evaluated: 2025-01-20. Review status: criteria provided, single submitter. Criteria: ACMG Guidelines, 2015. Collection method: clinical testing. Allele origin: germline. Inheritance: Autosomal dominant inheritance.

Color Diagnostics, LLC DBA Color Health
Classification: Benign for Hereditary cancer-predisposing syndrome. Last evaluated: 2024-09-19. Review status: criteria provided, single submitter. Criteria: ACMG Guidelines, 2015. Collection method: clinical testing. Allele origin: germline.

Blueprint Genetics
Classification: Likely benign. Last evaluated: 2024-06-19. Review status: criteria provided, single submitter. Criteria: ACMG Guidelines, 2015. Collection method: clinical testing. Allele origin: germline.

Fulgent Genetics
Classification: Likely benign for Colorectal cancer; Hepatocellular carcinoma; Desmoid disease, hereditary; Familial adenomatous polyposis 1; Gastric cancer; Gastric adenocarcinoma and proximal polyposis of the stomach. Last evaluated: 2022-02-08. Review status: criteria provided, single submitter. Criteria: ACMG Guidelines, 2015. Collection method: clinical testing. Allele origin: unknown.

Sema4
Classification: Likely benign for Hereditary cancer-predisposing syndrome. Last evaluated: 2021-07-23. Review status: criteria provided, single submitter. Criteria: Sema4 Curation Guidelines. Collection method: curation. Allele origin: germline.

GeneDx
Classification: Likely benign. Last evaluated: 2020-12-24. Review status: criteria provided, single submitter. Criteria: GeneDx Variant Classification Process June 2021. Collection method: clinical testing. Allele origin: germline. Affected: yes.
Comment: This variant is associated with the following publications: (PMID: 18199528, 24055113, 25980754, 25637381, 21859464, 25318351, 26580448, 25778705)

Women's Health and Genetics/Laboratory Corporation of America, LabCorp
Classification: Benign. Last evaluated: 2020-03-09. Review status: criteria provided, single submitter. Criteria: LabCorp Variant Classification Summary - May 2015. Collection method: clinical testing. Allele origin: germline.
Comment: Variant summary: APC c.4336G>A (p.Ala1446Thr) results in a non-conservative amino acid change in the encoded protein sequence. Four of five in-silico tools predict a benign effect of the variant on protein function. This is further supported by a functional study, (Azzopardi et al_2008), that demonstrated that the effect of this variant on suppression of beta-catenin regulated transcription (CRT) was identical to the wild-type in well controlled experimental system. The variant allele was found at a frequency of 0.00017 in 284482 control chromosomes, predominantly at a frequency of 0.0016 within the African or African-American subpopulation in the gnomAD database. The observed variant frequency within African or African-American control individuals in the gnomAD database is approximately 22 fold of the estimated maximal expected allele frequency for a pathogenic variant in APC causing Familial Adenomatous Polyposis phenotype (7.1e-05), strongly suggesting that the variant is a benign polymorphism found primarily in populations of African or African-American origin. c.4336G>A has been reported in the literature in individuals affected with Familial Adenomatous Polyposis (Azzopardi_2008, Yurgelun_2015). These reports do not provide unequivocal conclusions about association of the variant with Familial Adenomatous Polyposis. At least one co-occurrence with another pathogenic variant has been reported internally (PMS2 c.2186_2187delTC, p.Leu729GlnfsX6), providing supporting evidence for a benign role. Five ClinVar submitters (evaluation after 2014) cite the variant as benign (2x) and likely benign (3x). Based on the evidence outlined above, the variant was classified as benign.

Quest Diagnostics Nichols Institute San Juan Capistrano
Classification: Benign. Last evaluated: 2019-09-21. Review status: criteria provided, single submitter. Criteria: Quest Diagnostics criteria. Collection method: clinical testing. Allele origin: unknown.

Mendelics
Classification: Benign for Familial adenomatous polyposis 1. Last evaluated: 2019-05-28. Review status: criteria provided, single submitter. Criteria: Mendelics Assertion Criteria 2017. Collection method: clinical testing. Allele origin: unknown.

Ambry Genetics
Classification: Likely benign for Hereditary cancer-predisposing syndrome. Last evaluated: 2019-03-30. Review status: criteria provided, single submitter. Criteria: Ambry Variant Classification Scheme 2023. Collection method: clinical testing. Allele origin: germline.

CSER _CC_NCGL, University of Washington
Classification: Uncertain significance for Colorectal adenoma. Last evaluated: 2014-06-01. Review status: no assertion criteria provided. Collection method: research. Allele origin: germline. Inheritance: Autosomal dominant inheritance. Study: ESP 6500 variant annotation. Not counted in ClinVar's aggregate classification.
Comment: Variants classified for the Actionable exomic incidental findings in 6503 participants: challenges of variant classification manuscript

Department of Pathology and Laboratory Medicine, Sinai Health System
Classification: Likely benign for Carcinoma of colon. Review status: no assertion criteria provided. Collection method: clinical testing. Allele origin: unknown. Affected: yes. Study: The Canadian Open Genetics Repository (COGR). Not counted in ClinVar's aggregate classification.
Comment: The p.Ala1446Thr variant has been previously described in the literature in 1 of 1382 proband chromosomes of individuals with colorectal cancer. It was not identified in any of the 1938 control chromosomes evaluated (Azzopardi 2008, Minde 2011). However, this variant is identified in the dbSNP database (ID:rs146572883) and the exome variant server database in 5 of 4339 chromosomes increasing the likelihood this may be a low frequency variant in certain populations of origin. This residue is not conserved in mammals and computational analyses (PolyPhen, SIFT, AlignGVGD) do not suggest a high likelihood of impact to the protein. However, this information is not predictive enough to rule out pathogenicity. In summary, based on the above information, the clinical significance of this variant cannot be determined with certainty at this time although we would lean towards a more benign role for this variant. This variant is classified as predicted benign.

Mayo Clinic Laboratories, Mayo Clinic
Classification: Uncertain significance. Review status: no assertion criteria provided. Collection method: clinical testing. Allele origin: unknown. Not counted in ClinVar's aggregate classification.

Literature cited by the submitters: PubMed 24055113 (cited by 3 submitters); PubMed 25318351 (cited by Women's Health and Genetics/Laboratory Corporation of America, LabCorp and Quest Diagnostics Nichols Institute San Juan Capistrano); PubMed 21859464 (cited by Women's Health and Genetics/Laboratory Corporation of America, LabCorp and Quest Diagnostics Nichols Institute San Juan Capistrano); PubMed 18199528 (cited by 3 submitters); PubMed 25980754 (cited by 3 submitters); PubMed 25637381 (cited by 3 submitters); PubMed 25778705 (cited by Women's Health and Genetics/Laboratory Corporation of America, LabCorp and Quest Diagnostics Nichols Institute San Juan Capistrano); PubMed 28301460 (cited by Women's Health and Genetics/Laboratory Corporation of America, LabCorp); PubMed 26580448 (cited by Women's Health and Genetics/Laboratory Corporation of America, LabCorp and Quest Diagnostics Nichols Institute San Juan Capistrano).